The following is an entry in ClinVar:

NM_000535.7(PMS2):c.516A>T (p.Glu172Asp)

Gene: PMS2 (PMS1 homolog 2, mismatch repair system component; minus strand). Cytogenetic location: 7p22.1.
Variant type: single nucleotide variant.
Coding change: c.516A>T on transcript NM_000535.7 (MANE Select); coding-DNA position 516, A replaced by T.
Protein change: p.Glu172Asp; replaces glutamic acid 172 with aspartic acid.
Molecular consequence: missense variant. On other transcripts: 5 prime UTR variant (2), non-coding transcript variant (1).
Genome position (GRCh38, 1-based): chr7:6,002,474, T>A on the plus strand (A>T on the coding strand, the complement: PMS2 is on the minus strand). VCF-style: chr7-6002474-T-A. GRCh37 (hg19) VCF-style: chr7-6042105-T-A.
Other names: c.111A>T, p.Glu37Asp (NM_001322003.2, NM_001322004.2, NM_001322005.2 and 3 more transcripts); c.516A>T, p.Glu172Asp (NM_001322006.2, NM_001322014.2); c.198A>T, p.Glu66Asp (NM_001322007.2, NM_001322008.2); c.-369A>T (NM_001322011.2, NM_001322012.2); c.207A>T, p.Glu69Asp (NM_001322015.2); c.516A>T (NM_000535.6); short protein forms E172D, E66D, E37D, E69D.
Identifiers: ClinVar variation 969665 (VCV000969665.16), dbSNP rs1785191843, ClinGen allele CA366744197.

ClinVar aggregate classification (germline): Uncertain significance. Review status: criteria provided, multiple submitters, no conflicts (2 of 4 stars). 4 submissions from 4 submitters: Uncertain significance (4). Last evaluated 2025-11-11.

Conditions:
Hereditary nonpolyposis colorectal neoplasms. Identifiers: MedGen C0009405, MeSH D003123.
Hereditary cancer-predisposing syndrome. Also called: Neoplastic Syndromes, Hereditary; Hereditary Cancer Syndrome; Tumor predisposition; Hereditary neoplastic syndrome. Identifiers: Orphanet 140162, MedGen C0027672, MeSH D009386, MONDO:0015356.

Allele frequency attached by ClinVar (database versions not stated): TOPMed below 0.00001.

Submissions (4):

Ambry Genetics
Classification: Uncertain significance for Hereditary cancer-predisposing syndrome. Last evaluated: 2025-11-11. Review status: criteria provided, single submitter. Criteria: Ambry Variant Classification Scheme 2023. Collection method: clinical testing. Allele origin: germline.
Comment: The p.E172D variant (also known as c.516A>T), located in coding exon 5 of the PMS2 gene, results from an A to T substitution at nucleotide position 516. The glutamic acid at codon 172 is replaced by aspartic acid, an amino acid with highly similar properties. This amino acid position is highly conserved in available vertebrate species. In addition, this alteration is predicted to be deleterious by in silico analysis.Based on the available evidence, the clinical significance of this variant remains unclear.

Labcorp Genetics (formerly Invitae), Labcorp
Classification: Uncertain significance for Hereditary nonpolyposis colorectal neoplasms. Last evaluated: 2024-02-09. Review status: criteria provided, single submitter. Criteria: Invitae Variant Classification Sherloc (09022015). Collection method: clinical testing. Allele origin: germline.
Comment: This sequence change replaces glutamic acid, which is acidic and polar, with aspartic acid, which is acidic and polar, at codon 172 of the PMS2 protein (p.Glu172Asp). This variant is not present in population databases (gnomAD no frequency). This variant has not been reported in the literature in individuals affected with PMS2-related conditions. ClinVar contains an entry for this variant (Variation ID: 969665). Advanced modeling of protein sequence and biophysical properties (such as structural, functional, and spatial information, amino acid conservation, physicochemical variation, residue mobility, and thermodynamic stability) performed at Invitae indicates that this missense variant is expected to disrupt PMS2 protein function with a positive predictive value of 80%. In summary, the available evidence is currently insufficient to determine the role of this variant in disease. Therefore, it has been classified as a Variant of Uncertain Significance.

GeneDx
Classification: Uncertain significance. Last evaluated: 2024-01-03. Review status: criteria provided, single submitter. Criteria: GeneDx Variant Classification Process June 2021. Collection method: clinical testing. Allele origin: germline. Affected: yes.
Comment: Not observed at significant frequency in large population cohorts (gnomAD); In silico analysis supports that this missense variant has a deleterious effect on protein structure/function; Has not been previously published as pathogenic or benign to our knowledge; This variant is associated with the following publications: (PMID: 11574484)

Quest Diagnostics Nichols Institute San Juan Capistrano
Classification: Uncertain significance. Last evaluated: 2023-06-06. Review status: criteria provided, single submitter. Criteria: Quest Diagnostics criteria. Collection method: clinical testing. Allele origin: unknown.
Comment: This variant has not been reported in the published literature. It also has not been reported in large, multi-ethnic general populations (Genome Aggregation Database). Analysis of this variant using bioinformatics tools for the prediction of the effect of amino acid changes on protein structure and function yielded predictions that this variant is damaging. Based on the available information, we are unable to determine the clinical significance of this variant.